The following is an entry in ClinVar:

ClinVar aggregate classification (germline): Uncertain significance (1 of 4 stars; one submission).

Conditions:
Bloom syndrome (BLM). Also called: Bloom-Torre-Machacek syndrome. Identifiers: Orphanet 125, MedGen C0005859, MONDO:0008876, OMIM 210900.

Submission:

Labcorp Genetics (formerly Invitae), Labcorp
Classification: Uncertain significance for Bloom syndrome. Last evaluated: 2022-05-08. Review status: criteria provided, single submitter. Criteria: Invitae Variant Classification Sherloc (09022015). Collection method: clinical testing. Allele origin: germline.
Comment: This sequence change replaces proline, which is neutral and non-polar, with serine, which is neutral and polar, at codon 109 of the BLM protein (p.Pro109Ser). This variant is not present in population databases (gnomAD no frequency). This variant has not been reported in the literature in individuals affected with BLM-related conditions. Algorithms developed to predict the effect of missense changes on protein structure and function output the following: SIFT: "Tolerated"; PolyPhen-2: "Benign"; Align-GVGD: "Class C0". The serine amino acid residue is found in multiple mammalian species, which suggests that this missense change does not adversely affect protein function. In summary, the available evidence is currently insufficient to determine the role of this variant in disease. Therefore, it has been classified as a Variant of Uncertain Significance.

NM_000057.4(BLM):c.325C>T (p.Pro109Ser)

Gene: BLM (BLM RecQ like helicase; plus strand). Cytogenetic location: 15q26.1.
Variant type: single nucleotide variant.
Coding change: c.325C>T on transcript NM_000057.4 (MANE Select); coding-DNA position 325, C replaced by T.
Protein change: p.Pro109Ser; replaces proline 109 with serine.
Molecular consequence: missense variant. On other transcripts: 5 prime UTR variant (1).
Genome position (GRCh38, 1-based): chr15:90,749,593, C>T. VCF-style: chr15-90749593-C-T. GRCh37 (hg19) VCF-style: chr15-91292823-C-T.
Other names: c.325C>T, p.Pro109Ser (NM_001287246.2, NM_001287247.2); c.-967C>T (NM_001287248.2); short protein forms P109S.
Identifiers: ClinVar variation 2135287 (VCV002135287.4), dbSNP rs2151147120, ClinGen allele CA393840286.